The following is an entry in ClinVar:

ClinVar aggregate classification (germline): Uncertain significance (1 of 4 stars; one submission).

Allele frequency attached by ClinVar (database versions not stated): TOPMed below 0.00001; ExAC 0.00001; gnomAD 0.00001; gnomAD exomes 0.00001.
gnomAD v4.1: 7 of 1,614,094 alleles (0.00043%); highest among the groups gnomAD compares: African/African-American, 0.0027%; no homozygotes.

Submission:

Labcorp Genetics (formerly Invitae), Labcorp
Classification: Uncertain significance. Last evaluated: 2021-12-05. Review status: criteria provided, single submitter. Criteria: Invitae Variant Classification Sherloc (09022015). Collection method: clinical testing. Allele origin: germline.
Comment: This sequence change replaces lysine, which is basic and polar, with arginine, which is basic and polar, at codon 513 of the FKBP10 protein (p.Lys513Arg). This variant is present in population databases (rs782611610, gnomAD 0.004%). This variant has not been reported in the literature in individuals affected with FKBP10-related conditions. Algorithms developed to predict the effect of missense changes on protein structure and function are either unavailable or do not agree on the potential impact of this missense change (SIFT: "Tolerated"; PolyPhen-2: "Possibly Damaging"; Align-GVGD: "Class C0"). Algorithms developed to predict the effect of sequence changes on RNA splicing suggest that this variant may create or strengthen a splice site. In summary, the available evidence is currently insufficient to determine the role of this variant in disease. Therefore, it has been classified as a Variant of Uncertain Significance.

NM_021939.4(FKBP10):c.1538A>G (p.Lys513Arg)

Gene: FKBP10 (FKBP prolyl isomerase 10; plus strand). Cytogenetic location: 17q21.2.
Variant type: single nucleotide variant.
Coding change: c.1538A>G on transcript NM_021939.4 (MANE Select); coding-DNA position 1538, A replaced by G.
Protein change: p.Lys513Arg; replaces lysine 513 with arginine.
Molecular consequence: missense variant.
Genome position (GRCh38, 1-based): chr17:41,821,792, A>G. VCF-style: chr17-41821792-A-G. GRCh37 (hg19) VCF-style: chr17-39978044-A-G.
Other names: short protein forms K513R.
Identifiers: ClinVar variation 1358013 (VCV001358013.3), dbSNP rs782611610, ClinGen allele CA8566670.
Genomic context (GRCh38, chr17:41,821,792, plus strand): 5'-ACCTGTTTGTGTGGCACAAGGACCCTCCTGCCAACCTGTTTGAAGACATGGACCTCAACA[A>G]GGATGGCGAGGTCCCTCCGGAGGAGGTGGGTGAAGGTTCAGTCCTAATAGCCATGCCCAC-3'
Protein context (NP_068758.3, residues 503-523): ANLFEDMDLN[Lys513Arg]DGEVPPEEFS